The following is an entry in ClinVar:

NM_004722.4(AP4M1):c.458G>A (p.Gly153Asp)

Gene: AP4M1 (adaptor related protein complex 4 subunit mu 1; plus strand). Cytogenetic location: 7q22.1.
Variant type: single nucleotide variant.
Coding change: c.458G>A on transcript NM_004722.4 (MANE Select); coding-DNA position 458, G replaced by A.
Protein change: p.Gly153Asp; replaces glycine 153 with aspartic acid.
Molecular consequence: missense variant.
Genome position (GRCh38, 1-based): chr7:100,103,515, G>A. VCF-style: chr7-100103515-G-A. GRCh37 (hg19) VCF-style: chr7-99701138-G-A.
Other names: c.479G>A, p.Gly160Asp (NM_001363671.2); short protein forms G153D, G160D.
Identifiers: ClinVar variation 210213 (VCV000210213.14), dbSNP rs797045250, ClinGen allele CA206407.

ClinVar aggregate classification (germline): Uncertain significance. Review status: criteria provided, multiple submitters, no conflicts (2 of 4 stars). 3 submissions from 3 submitters: Uncertain significance (3). Last evaluated 2025-12-10.

Conditions:
Inborn genetic diseases. Identifiers: MedGen C0950123, MeSH D030342.
Hereditary spastic paraplegia 50 (SPG50). Also called: Spastic paraplegia 50, autosomal recessive. Identifiers: Orphanet 280763, MedGen C2752008, MONDO:0013048, OMIM 612936.

Allele frequency attached by ClinVar (database versions not stated): gnomAD 0.00001.
gnomAD v4.1: 1 of 1,614,052 alleles (0.000062%); highest among the groups gnomAD compares: African/African-American, 0.0013%; no homozygotes.

Submissions (3):

Ambry Genetics
Classification: Uncertain significance for Inborn genetic diseases. Last evaluated: 2025-12-10. Review status: criteria provided, single submitter. Criteria: Ambry Variant Classification Scheme 2023. Collection method: clinical testing. Allele origin: germline.

Labcorp Genetics (formerly Invitae), Labcorp
Classification: Uncertain significance for Hereditary spastic paraplegia 50. Last evaluated: 2020-11-06. Review status: criteria provided, single submitter. Criteria: Invitae Variant Classification Sherloc (09022015). Collection method: clinical testing. Allele origin: germline.
Comment: In summary, the available evidence is currently insufficient to determine the role of this variant in disease. Therefore, it has been classified as a Variant of Uncertain Significance. Algorithms developed to predict the effect of missense changes on protein structure and function (SIFT, PolyPhen-2, Align-GVGD) all suggest that this variant is likely to be disruptive, but these predictions have not been confirmed by published functional studies and their clinical significance is uncertain. This variant has not been reported in the literature in individuals with AP4M1-related conditions. ClinVar contains an entry for this variant (Variation ID: 210213). This variant is not present in population databases (ExAC no frequency). This sequence change replaces glycine with aspartic acid at codon 153 of the AP4M1 protein (p.Gly153Asp). The glycine residue is highly conserved and there is a moderate physicochemical difference between glycine and aspartic acid.

Genetic Services Laboratory, University of Chicago
Classification: Uncertain significance. Last evaluated: 2015-06-11. Review status: criteria provided, single submitter. Criteria: ACMG Guidelines, 2015. Collection method: clinical testing. Allele origin: germline.